The following is an entry in ClinVar:

NM_001363711.2(DUOX2):c.1061G>T (p.Arg354Leu)

Gene: DUOX2 (dual oxidase 2; minus strand). Cytogenetic location: 15q21.1.
Variant type: single nucleotide variant.
Coding change: c.1061G>T on transcript NM_001363711.2 (MANE Select); coding-DNA position 1061, G replaced by T.
Protein change: p.Arg354Leu; replaces arginine 354 with leucine.
Molecular consequence: missense variant.
Genome position (GRCh38, 1-based): chr15:45,109,960, C>A on the plus strand (G>T on the coding strand, the complement: DUOX2 is on the minus strand). VCF-style: chr15-45109960-C-A. GRCh37 (hg19) VCF-style: chr15-45402158-C-A.
Other names: c.1061G>T, p.Arg354Leu (NM_014080.5); short protein forms R354L.
Identifiers: ClinVar variation 4852798 (VCV004852798.1).

ClinVar aggregate classification (germline): Uncertain significance (1 of 4 stars; one submission).

Conditions:
Congenital hypothyroidism. Identifiers: Orphanet 442, MedGen C0010308, MONDO:0018612, HP:0000851.

gnomAD v4.1: 9 of 1,614,058 alleles (0.00056%); highest among the groups gnomAD compares: Non-Finnish European, 0.00076%; no homozygotes.

Submission:

Cambridge Genomics Laboratory, East Genomic Laboratory Hub, NHS Genomic Medicine Service
Classification: Uncertain significance for Congenital hypothyroidism. Last evaluated: 2026-05-19. Review status: criteria provided, single submitter. Criteria: ACGS Best Practice Guidelines for Variant Classification in Rare Disease 2020. Collection method: clinical testing. Allele origin: germline. Affected: yes.
Comment: PM2